The following is an entry in ClinVar:

ClinVar aggregate classification (germline): Uncertain significance (1 of 4 stars; one submission).

gnomAD v4.1: 1 of 1,613,654 alleles (0.000062%); highest among the groups gnomAD compares: Non-Finnish European, 0.000085%; no homozygotes.

Submission:

GeneDx
Classification: Uncertain significance. Last evaluated: 2024-12-02. Review status: criteria provided, single submitter. Criteria: GeneDx Variant Classification Process June 2021. Collection method: clinical testing. Allele origin: germline. Affected: yes.
Comment: Not observed at significant frequency in large population cohorts (gnomAD); In silico analysis indicates that this missense variant does not alter protein structure/function; Has not been previously published as pathogenic or benign to our knowledge

NM_001039141.3(TRIOBP):c.3022G>A (p.Glu1008Lys)

Gene: TRIOBP (TRIO and F-actin binding protein; plus strand). Cytogenetic location: 22q13.1.
Variant type: single nucleotide variant.
Coding change: c.3022G>A on transcript NM_001039141.3 (MANE Select); coding-DNA position 3022, G replaced by A.
Protein change: p.Glu1008Lys; replaces glutamic acid 1008 with lysine.
Molecular consequence: missense variant.
Genome position (GRCh38, 1-based): chr22:37,725,578, G>A. VCF-style: chr22-37725578-G-A. GRCh37 (hg19) VCF-style: chr22-38121585-G-A.
Other names: short protein forms E1008K.
Identifiers: ClinVar variation 3900812 (VCV003900812.1).